The following is an entry in ClinVar:

ClinVar aggregate classification (germline): Uncertain significance (1 of 4 stars; one submission).

Conditions:
Monocytopenia with susceptibility to infections. Also called: Dendritic cell, monocyte, B lymphocyte, and natural killer lymphocyte deficiency; GATA2 DEFICIENCY; MONOCYTOPENIA AND MYCOBACTERIAL INFECTION SYNDROME; MONOCYTOPENIA WITH SUSCEPTIBILITY TO MYCOBACTERIAL, FUNGAL, AND PAPILLOMAVIRUS INFECTIONS AND MYELODYSPLASIA; COMBINED IMMUNODEFICIENCY WITH SUSCEPTIBILITY TO MYCOBACTERIAL, VIRAL, AND FUNGAL INFECTIONS; IMMUNODEFICIENCY 21. Identifiers: Orphanet 228423, MedGen C3280030, MONDO:0013607, OMIM 614172.
Deafness-lymphedema-leukemia syndrome. Also called: Lymphedema, primary, with myelodysplasia; Emberger syndrome. Identifiers: Orphanet 3226, MedGen C3279664, MONDO:0013540, OMIM 614038.

Submission:

Labcorp Genetics (formerly Invitae), Labcorp
Classification: Uncertain significance for Monocytopenia with susceptibility to infections; Deafness-lymphedema-leukemia syndrome. Last evaluated: 2018-07-25. Review status: criteria provided, single submitter. Criteria: Invitae Variant Classification Sherloc (09022015). Collection method: clinical testing. Allele origin: germline.
Comment: Algorithms developed to predict the effect of missense changes on protein structure and function are either unavailable or do not agree on the potential impact of this missense change (SIFT: "Tolerated"; PolyPhen-2: "Probably Damaging"; Align-GVGD: "Class C0"). Algorithms developed to predict the effect of sequence changes on RNA splicing suggest that this variant may create or strengthen a splice site, but this prediction has not been confirmed by published transcriptional studies. In summary, the available evidence is currently insufficient to determine the role of this variant in disease. Therefore, it has been classified as a Variant of Uncertain Significance. This variant has not been reported in the literature in individuals with GATA2-related disease. This sequence change replaces glycine with valine at codon 268 of the GATA2 protein (p.Gly268Val). The glycine residue is moderately conserved and there is a moderate physicochemical difference between glycine and valine. This variant is not present in population databases (ExAC no frequency).

NM_032638.5(GATA2):c.803G>T (p.Gly268Val)

Gene: GATA2 (GATA binding protein 2; minus strand). Cytogenetic location: 3q21.3.
Variant type: single nucleotide variant.
Coding change: c.803G>T on transcript NM_032638.5 (MANE Select); coding-DNA position 803, G replaced by T.
Protein change: p.Gly268Val; replaces glycine 268 with valine.
Molecular consequence: missense variant.
Genome position (GRCh38, 1-based): chr3:128,485,795, C>A on the plus strand (G>T on the coding strand, the complement: GATA2 is on the minus strand). VCF-style: chr3-128485795-C-A. GRCh37 (hg19) VCF-style: chr3-128204638-C-A.
Other names: c.803G>T, p.Gly268Val (NM_001145661.2, NM_001145662.1); short protein forms G268V.
Identifiers: ClinVar variation 643392 (VCV000643392.8), dbSNP rs1576748419, ClinGen allele CA354405861.